The following is an entry in ClinVar:

ClinVar aggregate classification (germline): Likely benign. Review status: criteria provided, multiple submitters, no conflicts (2 of 4 stars). 3 submissions from 3 submitters: Likely benign (3). Last evaluated 2026-01-07.

Conditions:
Charcot-Marie-Tooth disease axonal type 2Z. Also called: CHARCOT-MARIE-TOOTH DISEASE, AXONAL, AUTOSOMAL DOMINANT, TYPE 2Z; CHARCOT-MARIE-TOOTH NEUROPATHY, TYPE 2Z. Identifiers: Orphanet 466768, MedGen C5569025, MONDO:0014736, OMIM 616688.
MORC2-related disorder. Also called: MORC2-related condition.

Allele frequency attached by ClinVar (database versions not stated): gnomAD 0.00004; ExAC 0.00005; gnomAD exomes 0.00005 and 0.00006; TOPMed 0.00006; ESP Exome Variant Server 0.00008.

Submissions (3):

PreventionGenetics, part of Exact Sciences
Classification: Likely benign for MORC2-related condition. Last evaluated: 2026-01-07. Review status: criteria provided, single submitter. Criteria: ACMG Guidelines, 2015. Collection method: clinical testing. Allele origin: germline.
Comment: This variant is classified as likely benign based on ACMG/AMP sequence variant interpretation guidelines (Richards et al. 2015 PMID: 25741868, with internal and published modifications).

Labcorp Genetics (formerly Invitae), Labcorp
Classification: Likely benign for Charcot-Marie-Tooth disease axonal type 2Z. Last evaluated: 2025-12-01. Review status: criteria provided, single submitter. Criteria: Invitae Variant Classification Sherloc (09022015). Collection method: clinical testing. Allele origin: germline.

CeGaT Center for Human Genetics Tuebingen
Classification: Likely benign. Last evaluated: 2025-05-01. Review status: criteria provided, single submitter. Criteria: CeGaT Center For Human Genetics Tuebingen Variant Classification Criteria Version 2. Collection method: clinical testing. Allele origin: germline. Affected: yes. Observed: 1 variant allele.
Comment: MORC2: BP4, BP7

NM_001303256.3(MORC2):c.276T>C (p.Pro92=)

Gene: MORC2 (MORC family CW-type zinc finger 2; minus strand). Cytogenetic location: 22q12.2.
Variant type: single nucleotide variant.
Coding change: c.276T>C on transcript NM_001303256.3 (MANE Select); coding-DNA position 276, T replaced by C.
Protein change: p.Pro92=; no amino-acid change (proline 92 retained).
Molecular consequence: synonymous variant.
Genome position (GRCh38, 1-based): chr22:30,949,793, A>G on the plus strand (T>C on the coding strand, the complement: MORC2 is on the minus strand). VCF-style: chr22-30949793-A-G. GRCh37 (hg19) VCF-style: chr22-31345779-A-G.
Other names: c.276T>C, p.Pro92= (NM_001303257.2); c.90T>C, p.Pro30= (NM_014941.3).
Identifiers: ClinVar variation 475605 (VCV000475605.23), dbSNP rs142640132, ClinGen allele CA10187300.
Genomic context (GRCh38, chr22:30,949,793, plus strand): 5'-AAGCTTCTAATATACCTACGATTTTAACCCATTCCCGTACTGCCCAATCTGAGTAGACTC[A>G]GGTGTTCGCTTGGCCGACTTCCCAAACTGGATCACACTGGCAGCATCACCTGAAAGGGCA-3'
Protein context (NP_001290185.1, residues 82-102): IQFGKSAKRT[Pro92=]ESTQIGQYGN